The following is an entry in ClinVar:

NM_005589.4(ALDH6A1):c.*1904G>C

Genes: ALDH6A1 (aldehyde dehydrogenase 6 family member A1; minus strand), BBOF1 (basal body orientation factor 1; plus strand). Cytogenetic location: 14q24.3.
Variant type: single nucleotide variant.
Coding change: c.*1904G>C on transcript NM_005589.4 (MANE Select); 1904 bases downstream of the stop codon, G replaced by C.
Molecular consequence: 3 prime UTR variant. On other transcripts: intron variant (1).
Genome position (GRCh38, 1-based): chr14:74,058,738, C>G on the plus strand (G>C on the coding strand, the complement: ALDH6A1 is on the minus strand). VCF-style: chr14-74058738-C-G. GRCh37 (hg19) VCF-style: chr14-74525441-C-G.
Other names: c.*1904G>C (NM_001278593.2, NM_001278594.2); c.1578+1480C>G (NM_025057.3).
Identifiers: ClinVar variation 885787 (VCV000885787.4), dbSNP rs147392789, ClinGen allele CA263533373.
Genomic context (GRCh38, chr14:74,058,738, plus strand): 5'-CGCAGGAAAATAAAAAGAGGATTCAATTGGATTGGTACTGCAAAAAGAATCCATTCTGTT[C>G]AGCACATGAATTTCTGTTCTGACCTTAAGTTTAGATATATCAAAGAAACAAAAAGCATAG-3'

ClinVar aggregate classification (germline): Likely benign (1 of 4 stars; one submission).

Conditions:
Methylmalonate semialdehyde dehydrogenase deficiency (MMSDHD). Also called: MMSDH DEFICIENCY. Identifiers: Orphanet 289307, MedGen C3279840, MONDO:0013579, OMIM 614105.

Allele frequency attached by ClinVar (database versions not stated): 1000 Genomes Project 0.00240; 1000 Genomes Project 30x 0.00265; TOPMed 0.00390; gnomAD 0.00492 and 0.00503.

Submission:

Illumina Laboratory Services, Illumina
Classification: Likely benign for Methylmalonate semialdehyde dehydrogenase deficiency. Last evaluated: 2018-01-12. Review status: criteria provided, single submitter. Criteria: ICSL Variant Classification Criteria 13 December 2019. Collection method: clinical testing. Allele origin: germline.
Comment: This variant was observed in the ICSL laboratory as part of a predisposition screen in an ostensibly healthy population. It had not been previously curated by ICSL or reported in the Human Gene Mutation Database (HGMD: prior to June 1st, 2018), and was therefore a candidate for classification through an automated scoring system. Utilizing variant allele frequency, disease prevalence and penetrance estimates, and inheritance mode, an automated score was calculated to assess if this variant is too frequent to cause the disease. Based on the score and internal cut-off values, a variant classified as likely benign is not then subjected to further curation. The score for this variant resulted in a classification of likely benign for this disease.